The following is an entry in ClinVar:

ClinVar aggregate classification (germline): Uncertain significance (1 of 4 stars; one submission).

Conditions:
Hereditary cancer-predisposing syndrome. Also called: Hereditary Cancer Syndrome; Hereditary neoplastic syndrome; Neoplastic Syndromes, Hereditary; Tumor predisposition. Identifiers: Orphanet 140162, MedGen C0027672, MeSH D009386, MONDO:0015356.

Submission:

Ambry Genetics
Classification: Uncertain significance for Hereditary cancer-predisposing syndrome. Last evaluated: 2023-09-13. Review status: criteria provided, single submitter. Criteria: Ambry Variant Classification Scheme 2023. Collection method: clinical testing. Allele origin: germline.
Comment: The p.S2489A variant (also known as c.7465T>G), located in coding exon 49 of the ATM gene, results from a T to G substitution at nucleotide position 7465. The serine at codon 2489 is replaced by alanine, an amino acid with similar properties. This amino acid position is highly conserved in available vertebrate species. In addition, the in silico prediction for this alteration is inconclusive. Since supporting evidence is limited at this time, the clinical significance of this alteration remains unclear.

NM_000051.4(ATM):c.7465T>G (p.Ser2489Ala)

Genes: ATM (ATM serine/threonine kinase; plus strand), C11orf65 (chromosome 11 open reading frame 65; minus strand). Cytogenetic location: 11q22.3.
Variant type: single nucleotide variant.
Coding change: c.7465T>G on transcript NM_000051.4 (MANE Select); coding-DNA position 7465, T replaced by G.
Protein change: p.Ser2489Ala; replaces serine 2489 with alanine.
Molecular consequence: missense variant. On other transcripts: intron variant (2).
Genome position (GRCh38, 1-based): chr11:108,330,371, T>G. VCF-style: chr11-108330371-T-G. GRCh37 (hg19) VCF-style: chr11-108201098-T-G.
Other names: c.7465T>G, p.Ser2489Ala (NM_001351834.2); c.641-21300A>C (NM_001330368.2); c.*38+4849A>C (NM_001351110.2); short protein forms S2489A.
Identifiers: ClinVar variation 2625004 (VCV002625004.2), dbSNP rs2136461333, ClinGen allele CA382560413.